The following is an entry in ClinVar:

NM_000372.5(TYR):c.133C>A (p.Pro45Thr)

Gene: TYR (tyrosinase; plus strand). Cytogenetic location: 11q14.3.
Variant type: single nucleotide variant.
Coding change: c.133C>A on transcript NM_000372.5 (MANE Select); coding-DNA position 133, C replaced by A.
Protein change: p.Pro45Thr; replaces proline 45 with threonine.
Molecular consequence: missense variant.
Genome position (GRCh38, 1-based): chr11:89,178,086, C>A. VCF-style: chr11-89178086-C-A. GRCh37 (hg19) VCF-style: chr11-88911254-C-A.
Other names: short protein forms P45T.
Identifiers: ClinVar variation 3068865 (VCV003068865.3), dbSNP rs13312739, ClinGen allele CA226290105.

ClinVar aggregate classification (germline): Likely pathogenic. Review status: criteria provided, multiple submitters, no conflicts (2 of 4 stars). 2 submissions from 2 submitters: Likely pathogenic (2). Last evaluated 2024-02-27.

Conditions:
Oculocutaneous albinism type 1A (OCA1A). Also called: Albinism, oculocutaneous, type IA. Identifiers: Orphanet 352731, Orphanet 79431, MedGen C4551504, MONDO:0008745, OMIM 203100. Disease mechanism: loss of function.
Oculocutaneous albinism type 1B (OCA1B). Also called: ALBINISM, OCULOCUTANEOUS, TYPE IB; ALBINISM, YELLOW MUTANT TYPE; YELLOW ALBINISM. Identifiers: Orphanet 352731, Orphanet 352737, Orphanet 79434, MedGen C1847024, MONDO:0011749, OMIM 606952.
SKIN/HAIR/EYE PIGMENTATION 3, LIGHT/DARK SKIN (SHEP3). Also called: SKIN/HAIR/EYE PIGMENTATION, VARIATION IN, 3; SKIN/HAIR/EYE PIGMENTATION 3, BLUE/GREEN EYE COLOR; SKIN/HAIR/EYE PIGMENTATION 3, FRECKLING; EYE COLOR 1; EYE COLOR, GREEN/BLUE. Identifiers: MedGen C2677190, OMIM 601800.
Oculocutaneous albinism. Identifiers: Orphanet 55, MedGen C0078918, MONDO:0018910.

gnomAD v4.1: 6 of 1,614,160 alleles (0.00037%); highest among the groups gnomAD compares: East Asian, 0.013%; no homozygotes.

Submissions (2):

Fulgent Genetics
Classification: Likely pathogenic for Oculocutaneous albinism type 1A; SKIN/HAIR/EYE PIGMENTATION 3, LIGHT/DARK SKIN; Oculocutaneous albinism type 1B. Last evaluated: 2024-02-27. Review status: criteria provided, single submitter. Criteria: ACMG Guidelines, 2015. Collection method: clinical testing. Allele origin: germline.

Women's Health and Genetics/Laboratory Corporation of America, LabCorp
Classification: Likely pathogenic for Oculocutaneous albinism. Last evaluated: 2024-02-27. Review status: criteria provided, single submitter. Criteria: LabCorp Variant Classification Summary - May 2015. Collection method: clinical testing. Allele origin: germline.
Comment: Variant summary: TYR c.133C>A (p.Pro45Thr) results in a non-conservative amino acid change in the encoded protein sequence. Four of five in-silico tools predict a damaging effect of the variant on protein function. The variant was absent in 251428 control chromosomes (gnomAD). c.133C>A has been reported in the literature in at-least one individual affected with Autosomal recessive ocular albinism (example: Hutton_2008). At least one publication reports experimental evidence evaluating an impact on protein function. The most pronounced variant effect results in <10% of normal activity (example: Mondal_2016). The following publications have been ascertained in the context of this evaluation (PMID: 18326704, 15885985, 27537549). No submitters have cited clinical-significance assessments for this variant to ClinVar. Based on the evidence outlined above, the variant was classified as likely pathogenic.

Literature cited by the submitters: PubMed 15885985 (cited by Women's Health and Genetics/Laboratory Corporation of America, LabCorp); PubMed 18326704 (cited by Women's Health and Genetics/Laboratory Corporation of America, LabCorp); PubMed 27537549 (cited by Women's Health and Genetics/Laboratory Corporation of America, LabCorp).